The following is an entry in ClinVar:

NM_000234.3(LIG1):c.809A>G (p.Lys270Arg)

Gene: LIG1 (DNA ligase 1; minus strand). Cytogenetic location: 19q13.33.
Variant type: single nucleotide variant.
Coding change: c.809A>G on transcript NM_000234.3 (MANE Select); coding-DNA position 809, A replaced by G.
Protein change: p.Lys270Arg; replaces lysine 270 with arginine.
Molecular consequence: missense variant. On other transcripts: non-coding transcript variant (6).
Genome position (GRCh38, 1-based): chr19:48,143,931, T>C on the plus strand (A>G on the coding strand, the complement: LIG1 is on the minus strand). VCF-style: chr19-48143931-T-C. GRCh37 (hg19) VCF-style: chr19-48647188-T-C.
Other names: c.716A>G, p.Lys239Arg (NM_001289063.2); c.605A>G, p.Lys202Arg (NM_001289064.2); c.806A>G, p.Lys269Arg (NM_001320970.2); c.719A>G, p.Lys240Arg (NM_001320971.2); short protein forms K202R, K240R, K269R, K270R, K239R.
Identifiers: ClinVar variation 2063066 (VCV002063066.4), dbSNP rs2514190241, ClinGen allele CA406650870.

ClinVar aggregate classification (germline): Uncertain significance (1 of 4 stars; one submission).

Allele frequency attached by ClinVar (database versions not stated): gnomAD exomes below 0.00001.

Submission:

Labcorp Genetics (formerly Invitae), Labcorp
Classification: Uncertain significance. Last evaluated: 2024-03-04. Review status: criteria provided, single submitter. Criteria: Invitae Variant Classification Sherloc (09022015). Collection method: clinical testing. Allele origin: germline.
Comment: This sequence change replaces lysine, which is basic and polar, with arginine, which is basic and polar, at codon 270 of the LIG1 protein (p.Lys270Arg). This variant is not present in population databases (gnomAD no frequency). This variant has not been reported in the literature in individuals affected with LIG1-related conditions. ClinVar contains an entry for this variant (Variation ID: 2063066). An algorithm developed to predict the effect of missense changes on protein structure and function (PolyPhen-2) suggests that this variant is likely to be tolerated. In summary, the available evidence is currently insufficient to determine the role of this variant in disease. Therefore, it has been classified as a Variant of Uncertain Significance.